The following is an entry in ClinVar:

ClinVar aggregate classification (germline): Benign/Likely benign. Review status: criteria provided, multiple submitters, no conflicts (2 of 4 stars). 7 submissions from 7 submitters: Benign (3); Likely benign (4). Last evaluated 2026-04-06.

Conditions:
Cardiovascular phenotype. Identifiers: MedGen CN230736.
Ehlers-Danlos syndrome (EDS). Identifiers: Orphanet 98249, MedGen C0013720, MONDO:0020066.

Allele frequency attached by ClinVar (database versions not stated): gnomAD exomes 0.00069 and 0.00149; ExAC 0.00304; 1000 Genomes Project 0.00639; 1000 Genomes Project 30x 0.00640; gnomAD 0.00693 and 0.00751; TOPMed 0.00768.
gnomAD v4.1: 2,070 of 1,549,716 alleles (0.13%); highest among the groups gnomAD compares: African/African-American, 2.5%; 20 homozygotes.

Submissions (7):

Women's Health and Genetics/Laboratory Corporation of America, LabCorp
Classification: Likely benign. Last evaluated: 2026-04-06. Review status: criteria provided, single submitter. Criteria: LabCorp Variant Classification Summary - May 2015. Collection method: clinical testing. Allele origin: germline.

Labcorp Genetics (formerly Invitae), Labcorp
Classification: Benign. Last evaluated: 2026-01-28. Review status: criteria provided, single submitter. Criteria: Invitae Variant Classification Sherloc (09022015). Collection method: clinical testing. Allele origin: germline.

Mayo Clinic Laboratories, Mayo Clinic
Classification: Benign. Last evaluated: 2025-02-11. Review status: criteria provided, single submitter. Criteria: ACMG Guidelines, 2015. Collection method: clinical testing. Allele origin: germline. Observed: 2 variant alleles.
Comment: BS1, BS2, BP4, BP7

Blueprint Genetics
Classification: Likely benign. Last evaluated: 2024-11-13. Review status: criteria provided, single submitter. Criteria: ACMG Guidelines, 2015. Collection method: clinical testing. Allele origin: germline.

Genome Diagnostics Laboratory, The Hospital for Sick Children
Classification: Likely benign for Ehlers-Danlos syndrome. Last evaluated: 2021-12-08. Review status: criteria provided, single submitter. Criteria: ACMG Guidelines, 2015. Collection method: clinical testing. Allele origin: germline.

Ambry Genetics
Classification: Likely benign for Cardiovascular phenotype. Last evaluated: 2020-01-06. Review status: criteria provided, single submitter. Criteria: Ambry Variant Classification Scheme 2023. Collection method: clinical testing. Allele origin: germline.

GeneDx
Classification: Benign. Last evaluated: 2018-11-06. Review status: criteria provided, single submitter. Criteria: GeneDx Variant Classification Process June 2021. Collection method: clinical testing. Allele origin: germline. Affected: yes.

NM_001367624.2(ZNF469):c.8625G>A (p.Pro2875=)

Gene: ZNF469 (zinc finger protein 469; plus strand). Cytogenetic location: 16q24.2.
Variant type: single nucleotide variant.
Coding change: c.8625G>A on transcript NM_001367624.2 (MANE Select); coding-DNA position 8625, G replaced by A.
Protein change: p.Pro2875=; no amino-acid change (proline 2875 retained).
Molecular consequence: synonymous variant.
Genome position (GRCh38, 1-based): chr16:88,436,095, G>A. VCF-style: chr16-88436095-G-A. GRCh37 (hg19) VCF-style: chr16-88502503-G-A.
Other names: NM_001127464.1:c.8541G>A; NM_001127464.2:c.8541G>A; p.Pro2875=.
Identifiers: ClinVar variation 320990 (VCV000320990.22), dbSNP rs138771545, ClinGen allele CA8225348.